The following is an entry in ClinVar:

NM_198407.2(GHSR):c.278T>C (p.Phe93Ser)

Gene: GHSR (growth hormone secretagogue receptor; minus strand). Cytogenetic location: 3q26.31.
Variant type: single nucleotide variant.
Coding change: c.278T>C on transcript NM_198407.2 (MANE Select); coding-DNA position 278, T replaced by C.
Protein change: p.Phe93Ser; replaces phenylalanine 93 with serine.
Molecular consequence: missense variant.
Genome position (GRCh38, 1-based): chr3:172,448,136, A>G on the plus strand (T>C on the coding strand, the complement: GHSR is on the minus strand). VCF-style: chr3-172448136-A-G. GRCh37 (hg19) VCF-style: chr3-172165926-A-G.
Other names: c.278T>C, p.Phe93Ser (NM_004122.2); short protein forms F93S.
Identifiers: ClinVar variation 2858683 (VCV002858683.3), dbSNP rs757070976, ClinGen allele CA355515754.

ClinVar aggregate classification (germline): Uncertain significance (1 of 4 stars; one submission).

Submission:

Labcorp Genetics (formerly Invitae), Labcorp
Classification: Uncertain significance. Last evaluated: 2023-04-23. Review status: criteria provided, single submitter. Criteria: Invitae Variant Classification Sherloc (09022015). Collection method: clinical testing. Allele origin: germline.
Comment: In summary, the available evidence is currently insufficient to determine the role of this variant in disease. Therefore, it has been classified as a Variant of Uncertain Significance. Advanced modeling of protein sequence and biophysical properties (such as structural, functional, and spatial information, amino acid conservation, physicochemical variation, residue mobility, and thermodynamic stability) performed at Invitae indicates that this missense variant is expected to disrupt GHSR protein function. This variant has not been reported in the literature in individuals affected with GHSR-related conditions. This variant is not present in population databases (gnomAD no frequency). This sequence change replaces phenylalanine, which is neutral and non-polar, with serine, which is neutral and polar, at codon 93 of the GHSR protein (p.Phe93Ser).